The following is an entry in ClinVar:

NM_012431.3(SEMA3E):c.220G>A (p.Gly74Ser)

Gene: SEMA3E (semaphorin 3E; minus strand). Cytogenetic location: 7q21.11.
Variant type: single nucleotide variant.
Coding change: c.220G>A on transcript NM_012431.3 (MANE Select); coding-DNA position 220, G replaced by A.
Protein change: p.Gly74Ser; replaces glycine 74 with serine.
Molecular consequence: missense variant.
Genome position (GRCh38, 1-based): chr7:83,490,170, C>T on the plus strand (G>A on the coding strand, the complement: SEMA3E is on the minus strand). VCF-style: chr7-83490170-C-T. GRCh37 (hg19) VCF-style: chr7-83119486-C-T.
Other names: c.40G>A, p.Gly14Ser (NM_001178129.2); short protein forms G14S, G74S.
Identifiers: ClinVar variation 3666327 (VCV003666327.2).

ClinVar aggregate classification (germline): Uncertain significance (1 of 4 stars; one submission).

Conditions:
CHARGE syndrome (CHARGE). Also called: Hittner Hirsch Kreh syndrome; CHARGE ASSOCIATION--COLOBOMA, HEART ANOMALY, CHOANAL ATRESIA, RETARDATION, GENITAL AND EAR ANOMALIES; Coloboma, heart anomaly, choanal atresia, retardation, genital and ear anomalies; CHARGE association; Hall-Hittner syndrome. Identifiers: Orphanet 138, MedGen C0265354, MONDO:0008965.

Submission:

Labcorp Genetics (formerly Invitae), Labcorp
Classification: Uncertain significance for CHARGE syndrome. Last evaluated: 2024-12-19. Review status: criteria provided, single submitter. Criteria: Invitae Variant Classification Sherloc (09022015). Collection method: clinical testing. Allele origin: germline.
Comment: This sequence change replaces glycine, which is neutral and non-polar, with serine, which is neutral and polar, at codon 74 of the SEMA3E protein (p.Gly74Ser). This variant is not present in population databases (gnomAD no frequency). This variant has not been reported in the literature in individuals affected with SEMA3E-related conditions. Invitae Evidence Modeling of protein sequence and biophysical properties (such as structural, functional, and spatial information, amino acid conservation, physicochemical variation, residue mobility, and thermodynamic stability) indicates that this missense variant is not expected to disrupt SEMA3E protein function with a negative predictive value of 80%. In summary, the available evidence is currently insufficient to determine the role of this variant in disease. Therefore, it has been classified as a Variant of Uncertain Significance.